The following is an entry in ClinVar:

NM_138694.4(PKHD1):c.10613T>A (p.Ile3538Asn)

Gene: PKHD1 (PKHD1 ciliary IPT domain containing fibrocystin/polyductin; minus strand). Cytogenetic location: 6p12.3.
Variant type: single nucleotide variant.
Coding change: c.10613T>A on transcript NM_138694.4 (MANE Select); coding-DNA position 10613, T replaced by A.
Protein change: p.Ile3538Asn; replaces isoleucine 3538 with asparagine.
Molecular consequence: missense variant.
Genome position (GRCh38, 1-based): chr6:51,659,513, A>T on the plus strand (T>A on the coding strand, the complement: PKHD1 is on the minus strand). VCF-style: chr6-51659513-A-T. GRCh37 (hg19) VCF-style: chr6-51524311-A-T.
Other names: short protein forms I3538N.
Identifiers: ClinVar variation 1478039 (VCV001478039.8), dbSNP rs2150414899, ClinGen allele CA364433628.

ClinVar aggregate classification (germline): Uncertain significance (1 of 4 stars; one submission).

Conditions:
Autosomal recessive polycystic kidney disease (ARPKD). Also called: AR polycystic kidney disease. Identifiers: Orphanet 731, Orphanet 8378, MedGen C0085548, MeSH D017044, MONDO:0009889.

Submission:

Labcorp Genetics (formerly Invitae), Labcorp
Classification: Uncertain significance for Autosomal recessive polycystic kidney disease. Last evaluated: 2021-03-31. Review status: criteria provided, single submitter. Criteria: Invitae Variant Classification Sherloc (09022015). Collection method: clinical testing. Allele origin: germline.
Comment: This variant has not been reported in the literature in individuals with PKHD1-related conditions. This variant is not present in population databases (ExAC no frequency). This sequence change replaces isoleucine with asparagine at codon 3538 of the PKHD1 protein (p.Ile3538Asn). The isoleucine residue is moderately conserved and there is a large physicochemical difference between isoleucine and asparagine. Advanced modeling of protein sequence and biophysical properties (such as structural, functional, and spatial information, amino acid conservation, physicochemical variation, residue mobility, and thermodynamic stability) performed at Invitae indicates that this missense variant is not expected to disrupt PKHD1 protein function. In summary, the available evidence is currently insufficient to determine the role of this variant in disease. Therefore, it has been classified as a Variant of Uncertain Significance.